The following is an entry in ClinVar:

ClinVar aggregate classification (germline): Likely pathogenic (1 of 4 stars; one submission).

Submission:

Genetic Services Laboratory, University of Chicago
Classification: Likely pathogenic. Last evaluated: 2025-07-14. Review status: criteria provided, single submitter. Criteria: ACMG Guidelines, 2015. Collection method: clinical testing. Allele origin: germline.
Comment: The c.233dup variant: Is a single base pair duplication in exon 3. Results in an amino acid frameshift and creates a premature stop codon 46 amino acids downstream of the change, p.Gly79Trpfs*47. Is predicted to result in an abnormal transcript, which may be degraded, or may lead to the production of a truncated MYRF protein with potentially abnormal function. Has not been described in the literature in individuals with MYRF-related disorders. However, other truncating variants have been described in individuals with MYRF-related cardiac-urogenital syndrome (PMIDs: 29446546, 30070761, 31069960, 30532227). Has not been described in population databases such as gnomAD v4. Collectively this evidence indicates that this variant is likely pathogenic; however functional studies have not been performed to prove this conclusively.

NM_001127392.3(MYRF):c.233dup (p.Gly79fs)

Gene: MYRF (myelin regulatory factor; plus strand). Cytogenetic location: 11q12.2.
Variant type: Duplication.
Coding change: c.233dup on transcript NM_001127392.3 (MANE Select); coding-DNA position 233, one base duplicated (C; older notation c.233dupC).
Protein change: p.Gly79fs; shifts the reading frame from glycine 79.
Molecular consequence: frameshift variant.
Genome position (GRCh38, 1-based): chr11:61,766,056, C duplicated; the last of 6 consecutive C bases (chr11:61,766,051-61,766,056); duplicating any one gives the same sequence. VCF-style (leftmost placement, unchanged base first): chr11-61766050-G-GC. GRCh37 (hg19) VCF-style: chr11-61533522-G-GC.
Other names: c.206dup, p.Gly70fs (NM_013279.4); c.233dup (NM_001127392.2); short protein forms G70fs, G79fs.
Identifiers: ClinVar variation 5010229 (VCV005010229.1).